The following is an entry in ClinVar:

ClinVar aggregate classification (germline): Conflicting classifications of pathogenicity. Review status: criteria provided, conflicting classifications (1 of 4 stars). 11 submissions from 11 submitters: Uncertain significance (1); Likely benign (9). 1 of the submissions does not count toward it. Last evaluated 2026-02-03.

Conditions:
TTN-related disorder. Also called: TTN-related disorders; TTN-related condition; TTN-related disease.
Cardiovascular phenotype. Identifiers: MedGen CN230736.
Autosomal recessive limb-girdle muscular dystrophy type 2J (LGMDR10). Also called: Limb-girdle muscular dystrophy, type 2J; MUSCULAR DYSTROPHY, LIMB-GIRDLE, AUTOSOMAL RECESSIVE 10. Identifiers: Orphanet 140922, MedGen C1837342, MONDO:0012127, OMIM 608807.
Dilated cardiomyopathy 1G (CMD1G). Identifiers: Orphanet 154, MedGen C1858763, MONDO:0011400, OMIM 604145.
Limb-girdle muscular dystrophy (LGMD). Also called: Muscular Dystrophies, Limb-Girdle. Identifiers: Orphanet 263, MedGen C0686353, MeSH D049288, MONDO:0016971, HP:0006785.

Allele frequency attached by ClinVar (database versions not stated): TOPMed 0.00068; ESP Exome Variant Server 0.00083; gnomAD 0.00089; 1000 Genomes Project 30x 0.00109; 1000 Genomes Project 0.00120.
gnomAD v4.1: 214 of 1,612,246 alleles (0.013%); highest among the groups gnomAD compares: African/African-American, 0.23%; no homozygotes.

Submissions (11):

Labcorp Genetics (formerly Invitae), Labcorp
Classification: Likely benign for Dilated cardiomyopathy 1G; Autosomal recessive limb-girdle muscular dystrophy type 2J. Last evaluated: 2026-02-03. Review status: criteria provided, single submitter. Criteria: Invitae Variant Classification Sherloc (09022015). Collection method: clinical testing. Allele origin: germline.

Women's Health and Genetics/Laboratory Corporation of America, LabCorp
Classification: Likely benign. Last evaluated: 2025-11-04. Review status: criteria provided, single submitter. Criteria: LabCorp Variant Classification Summary - May 2015. Collection method: clinical testing. Allele origin: germline.
Comment: Variant summary: TTN c.40747A>G (p.Thr13583Ala) results in a non-conservative amino acid change in the encoded protein sequence. Algorithms developed to predict the effect of missense changes on protein structure and function are either unavailable or do not agree on the potential impact of this missense change. The variant allele was found at a frequency of 0.00019 in 248082 control chromosomes, predominantly at a frequency of 0.0023 within the African or African-American subpopulation in the gnomAD database. The observed variant frequency within African or African-American control individuals in the gnomAD database exceeds the estimated maximal expected allele frequency for disease-causing variants in TTN. To our knowledge, no occurrence of c.40747A>G in individuals affected with TTN-related conditions and no experimental evidence demonstrating its impact on protein function have been reported. ClinVar contains an entry for this variant (Variation ID: 264279). Based on the evidence outlined above, the variant was classified as likely benign.

CeGaT Center for Human Genetics Tuebingen
Classification: Uncertain significance. Last evaluated: 2025-09-01. Review status: criteria provided, single submitter. Criteria: CeGaT Center For Human Genetics Tuebingen Variant Classification Criteria Version 2. Collection method: clinical testing. Allele origin: germline. Affected: yes. Observed: 1 variant allele.
Comment: TTN: PM2, BP4

Molecular Diagnostic Laboratory for Inherited Cardiovascular Disease, Montreal Heart Institute
Classification: Likely benign. Last evaluated: 2025-04-09. Review status: criteria provided, single submitter. Criteria: ACMG Guidelines, 2015. Collection method: clinical testing. Allele origin: germline. Affected: no.

ARUP Laboratories, Molecular Genetics and Genomics, ARUP Laboratories
Classification: Likely benign. Last evaluated: 2021-01-20. Review status: criteria provided, single submitter. Criteria: ARUP Molecular Germline Variant Investigation Process 2021. Collection method: clinical testing. Allele origin: germline.

GeneDx
Classification: Likely benign. Last evaluated: 2020-07-31. Review status: criteria provided, single submitter. Criteria: GeneDx Variant Classification Process June 2021. Collection method: clinical testing. Allele origin: germline. Affected: yes.

Cambridge Genomics Laboratory, East Genomic Laboratory Hub, NHS Genomic Medicine Service
Classification: Likely benign for Limb-girdle muscular dystrophy. Last evaluated: 2019-09-03. Review status: criteria provided, single submitter. Criteria: ACGS Best Practice Guidelines for Variant Classification in Rare Disease 2020. Collection method: clinical testing. Allele origin: germline. Affected: yes. Observed: 1 variant allele.

Ambry Genetics
Classification: Likely benign for Cardiovascular phenotype. Last evaluated: 2019-01-14. Review status: criteria provided, single submitter. Criteria: Ambry Variant Classification Scheme 2023. Collection method: clinical testing. Allele origin: germline.

Eurofins Ntd Llc (ga)
Classification: Likely benign. Last evaluated: 2017-06-06. Review status: criteria provided, single submitter. Criteria: EGL Classification Definitions 2015. Collection method: clinical testing. Allele origin: germline. Observed: 2 variant alleles, 2 heterozygotes.

Breakthrough Genomics
Classification: Likely benign. Review status: criteria provided, single submitter. Criteria: ACMG Guidelines, 2015. Collection method: not provided. Allele origin: germline. Inheritance: Autosomal recessive inheritance. Affected: yes.

PreventionGenetics, part of Exact Sciences
Classification: Likely benign for TTN-related condition. Last evaluated: 2022-03-25. Review status: no assertion criteria provided. Collection method: clinical testing. Allele origin: germline. Not counted in ClinVar's aggregate classification.
Comment: This variant is classified as likely benign based on ACMG/AMP sequence variant interpretation guidelines (Richards et al. 2015 PMID: 25741868, with internal and published modifications).

NM_001267550.2(TTN):c.48451A>G (p.Thr16151Ala)

Genes: TTN (titin; minus strand), TTN-AS1 (TTN antisense RNA 1; plus strand). Cytogenetic location: 2q31.2.
Variant type: single nucleotide variant.
Coding change: c.48451A>G on transcript NM_001267550.2 (MANE Select); coding-DNA position 48451, A replaced by G.
Protein change: p.Thr16151Ala; replaces threonine 16151 with alanine.
Molecular consequence: missense variant.
Genome position (GRCh38, 1-based): chr2:178,615,650, T>C on the plus strand (A>G on the coding strand, the complement: TTN is on the minus strand). VCF-style: chr2-178615650-T-C. GRCh37 (hg19) VCF-style: chr2-179480377-T-C.
Other names: c.43528A>G, p.Thr14510Ala (NM_001256850.1); c.21256A>G, p.Thr7086Ala (NM_003319.4); c.40747A>G, p.Thr13583Ala (NM_133378.4); c.21631A>G, p.Thr7211Ala (NM_133432.3); c.21832A>G, p.Thr7278Ala (NM_133437.4); short protein forms T16151A, T7086A, T13583A, T14510A, T7278A, T7211A.
Identifiers: ClinVar variation 264279 (VCV000264279.40), dbSNP rs186497293, ClinGen allele CA1994828.